The following is an entry in ClinVar:

ClinVar aggregate classification (germline): Pathogenic. Review status: criteria provided, multiple submitters, no conflicts (2 of 4 stars). 8 submissions from 8 submitters: Pathogenic (6). 2 of the submissions do not count toward it. Last evaluated 2025-07-29.

Conditions:
F8-related disorder. Also called: F8-related condition.
Hereditary factor VIII deficiency disease (HEMA). Also called: AUTOSOMAL HEMOPHILIA A; Hemophilia A, congenital; HEM A; Factor 8 deficiency, congenital; Hemophilia A; HEMOPHILIA, CLASSIC. Identifiers: Orphanet 98878, MedGen C0019069, MONDO:0010602, OMIM 306700.

Submissions (8):

GeneDx
Classification: Pathogenic. Last evaluated: 2025-07-29. Review status: criteria provided, single submitter. Criteria: GeneDx Variant Classification Process June 2021. Collection method: clinical testing. Allele origin: germline. Affected: yes.
Comment: Not observed at significant frequency in large population cohorts (gnomAD); In silico analysis supports that this missense variant has a deleterious effect on protein structure/function; Also known as Arg2163His; This variant is associated with the following publications: (PMID: 35014236, 7937051, 7984443, 29490426, 32190902, 36595620, 33245802, 33706050, 24845853, 10215414, 36983317, 9829908, 38196513, 34844950, 32224444, 19473423, 34272389, 34788507, 34708896, 32897612, 9569189, 10404764, 11341489, 11554935, 15710596, 15810915, 16086318, 23926300, 39125936, 22103590, 38718928)

Mayo Clinic Laboratories, Mayo Clinic
Classification: Pathogenic. Last evaluated: 2025-07-18. Review status: criteria provided, single submitter. Criteria: ACMG Guidelines, 2015. Collection method: clinical testing. Allele origin: germline. Observed: 3 variant alleles.
Comment: PP1_moderate, PP3_strong, PM2_supporting, PM5_supporting, PS4_very_strong

PreventionGenetics, part of Exact Sciences
Classification: Pathogenic for F8-related condition. Last evaluated: 2025-01-30. Review status: criteria provided, single submitter. Criteria: ACMG Guidelines, 2015. Collection method: clinical testing. Allele origin: germline.
Comment: The F8 c.6545G>A variant is predicted to result in the amino acid substitution p.Arg2182His. This variant, alternatively referred to as p.Arg2163 using legacy nomenclature and c.140G>A, p.Arg47His using transcript NM_019863, has been reported in numerous individuals with hemophilia A (Tuddenham et al. 1994. PubMed ID: 7984443; Markoff et al. 2009. PubMed ID: 19473423; Table S1, Eckhardt et al. 2013. PubMed ID: 23926300; Table S3, Baz et al. 2021. PubMed ID: 34272389). Alternate nucleotide change affecting the same amino acid (p.Arg2182Cys, p.Arg2182Ser, p.Arg2182Pro) have been reported in individuals with hemophilia A (Markoff et al. 2009. PubMed ID: 19473423; Shinozawa et al. 2021. PubMed ID: 33254277; Timur et al. 2001. PubMed ID: 11554935). This variant has not been reported in a large population database (gnomAD), indicating this variant is rare. This variant is interpreted as pathogenic.

Women's Health and Genetics/Laboratory Corporation of America, LabCorp
Classification: Pathogenic for Hereditary factor VIII deficiency disease. Last evaluated: 2024-06-21. Review status: criteria provided, single submitter. Criteria: LabCorp Variant Classification Summary - May 2015. Collection method: clinical testing. Allele origin: germline.
Comment: Variant summary: F8 c.6545G>A (p.Arg2182His) results in a non-conservative amino acid change located in the coagulation factor 5/8 C-terminal domain (IPR000421) of the encoded protein sequence. Five of five in-silico tools predict a damaging effect of the variant on protein function. The variant was absent in 183342 control chromosomes. c.6545G>A has been reported in the literature in multiple individuals affected with Factor VIII Deficiency (Hemophilia A) (e.g.Miller_2012, Eckhardt_2013, Azadmehr_2021) . These data indicate that the variant is very likely to be associated with disease. The following publications have been ascertained in the context of this evaluation (PMID: 35014236, 23926300, 22103590). ClinVar contains an entry for this variant (Variation ID: 10320). Based on the evidence outlined above, the variant was classified as pathogenic.

Genetics and Molecular Pathology, SA Pathology
Classification: Pathogenic for Hereditary factor VIII deficiency disease. Last evaluated: 2021-09-10. Review status: criteria provided, single submitter. Criteria: ACMG Guidelines, 2015. Collection method: clinical testing. Allele origin: germline. Inheritance: X-linked recessive inheritance. Affected: yes.

ARUP Laboratories, Molecular Genetics and Genomics, ARUP Laboratories
Classification: Pathogenic for Hereditary factor VIII deficiency disease. Last evaluated: 2021-05-18. Review status: criteria provided, single submitter. Criteria: ARUP Molecular Germline Variant Investigation Process 2021. Collection method: clinical testing. Allele origin: germline.
Comment: The F8 c.6545G>A; p.Arg2182His variant (rs137852466), also known as p.Arg2163His, is reported in the literature in multiple individuals affected with moderate to severe hemophilia A (see link to Factor VIII database and references therein; Jayandharan 2017, Johnsen 2017, Tuddenham 1994). This variant is reported in ClinVar (Variation ID: 10320), and is absent from general population databases (Exome Variant Server, Genome Aggregation Database), indicating it is not a common polymorphism. The arginine at codon 2182 is highly conserved, and computational analyses (SIFT, PolyPhen-2) predict that this variant is deleterious. Additionally, other variants at this codon (c.6544C>T; p.Arg2182Cys, c. 6544C>G; p.Arg2182Gly) have been reported in individuals with severe hemophilia A and are considered pathogenic (see link to Factor VIII database, Jayandharan 2009). Based on available information, this variant is considered to be pathogenic. References: Link to Factor VIII database: Jayandharan GR et al. Polymorphism in factor VII gene modifies phenotype of severe haemophilia. Haemophilia. 2009 Nov;15(6):1228-36. Johnsen JM et al. Novel approach to genetic analysis and results in 3000 hemophilia patients enrolled in the My Life, Our Future initiative. Blood Adv. 2017 May 18;1(13):824-834. Tuddenham EG et al. Haemophilia A: database of nucleotide substitutions, deletions, insertions and rearrangements of the factor VIII gene, second edition. Nucleic Acids Res. 1994 Nov 11;22(22):4851-68.

Angelo Bianchi Bonomi Hemophilia and Thrombosis Center, Fondazione IRCCS Ca Granda Ospedale Maggiore Policlinico
Classification: Pathogenic for Hereditary factor VIII deficiency disease. Last evaluated: 2019-06-01. Review status: no assertion criteria provided. Collection method: clinical testing. Allele origin: germline. Affected: yes. Observed: 1 variant allele. Not counted in ClinVar's aggregate classification.

OMIM
Classification: Pathogenic for HEMOPHILIA A. Last evaluated: 1995-01-01. Review status: no assertion criteria provided. Collection method: literature only. Allele origin: germline. Not counted in ClinVar's aggregate classification.

Literature cited by the submitters: PubMed 15810915 (cited by Mayo Clinic Laboratories, Mayo Clinic); PubMed 16086318 (cited by Mayo Clinic Laboratories, Mayo Clinic); PubMed 18691168 (cited by Mayo Clinic Laboratories, Mayo Clinic); PubMed 19473408 (cited by Mayo Clinic Laboratories, Mayo Clinic); PubMed 19686262 (cited by Mayo Clinic Laboratories, Mayo Clinic); PubMed 21070499 (cited by Mayo Clinic Laboratories, Mayo Clinic); PubMed 29490426 (cited by Mayo Clinic Laboratories, Mayo Clinic); PubMed 32166871 (cited by Mayo Clinic Laboratories, Mayo Clinic); PubMed 39125936 (cited by Mayo Clinic Laboratories, Mayo Clinic); PubMed 23926300 (cited by Women's Health and Genetics/Laboratory Corporation of America, LabCorp); PubMed 22103590 (cited by Women's Health and Genetics/Laboratory Corporation of America, LabCorp); PubMed 35014236 (cited by Women's Health and Genetics/Laboratory Corporation of America, LabCorp); PubMed 8307558 (cited by Angelo Bianchi Bonomi Hemophilia and Thrombosis Center, Fondazione IRCCS Ca Granda Ospedale Maggiore Policlinico); PubMed 10215414 (cited by Angelo Bianchi Bonomi Hemophilia and Thrombosis Center, Fondazione IRCCS Ca Granda Ospedale Maggiore Policlinico); PubMed 7728145 (cited by OMIM).

NM_000132.4(F8):c.6545G>A (p.Arg2182His)

Gene: F8 (coagulation factor VIII; minus strand). Cytogenetic location: Xq28.
Variant type: single nucleotide variant.
Coding change: c.6545G>A on transcript NM_000132.4 (MANE Select); coding-DNA position 6545, G replaced by A.
Protein change: p.Arg2182His; replaces arginine 2182 with histidine.
Molecular consequence: missense variant.
Genome position (GRCh38, 1-based): chrX:154,863,112, C>T on the plus strand (G>A on the coding strand, the complement: F8 is on the minus strand). VCF-style: chrX-154863112-C-T. GRCh37 (hg19) VCF-style: chrX-154091387-C-T.
Other names: F8, ARG2163HIS; R2163H; c.140G>A, p.Arg47His (NM_019863.3); short protein forms R2182H, R47H.
Identifiers: ClinVar variation 10320 (VCV000010320.20), dbSNP rs137852466, ClinGen allele CA255213.
Genomic context (GRCh38, chrX:154,863,112, plus strand): 5'-GAAGAAGGATATGGGATGACTTGGCACTTACTATTTAAATCACAGCCCATCAACTCCATG[C>T]GAAGAGTGCTGCGAATGCTATAATGAGTTGGGTGCAAACGGATGTATCGAGCAATAATTG-3'
Protein context (NP_000123.1, residues 2172-2192): PTHYSIRSTL[Arg2182His]MELMGCDLNS